The following is an entry in ClinVar:

ClinVar aggregate classification (germline): Pathogenic/Likely pathogenic. Review status: criteria provided, multiple submitters, no conflicts (2 of 4 stars). 3 submissions from 3 submitters: Pathogenic (2); Likely pathogenic (1). Last evaluated 2025-11-14.

Conditions:
Autosomal recessive complex spastic paraplegia type 9B. Also called: Spastic paraplegia 9b, autosomal recessive. Identifiers: Orphanet 447760, MedGen C5568980, MONDO:0014702, OMIM 616586.

Allele frequency attached by ClinVar (database versions not stated): gnomAD 0.00001 and 0.00002.

Submissions (3):

3billion
Classification: Pathogenic for Autosomal recessive complex spastic paraplegia type 9B. Last evaluated: 2025-11-14. Review status: criteria provided, single submitter. Criteria: ACMG Guidelines, 2015. Collection method: clinical testing. Allele origin: germline. Affected: yes.
Comment: The variant is observed at an extremely low frequency in the gnomAD v4.1.0 dataset (total allele frequency: <0.001%). Predicted Consequence/Location: Stop-gained (nonsense): predicted to result in a loss or disruption of normal protein function through nonsense-mediated decay (NMD) or protein truncation. Multiple pathogenic variants are reported downstream of the variant. The variant has been reported at least twice as pathogenic with clinical assertions and evidence for the classification (ClinVar ID: VCV000916221). Therefore, this variant is classified as Pathogenic according to the recommendation of ACMG/AMP guideline.

Revvity Omics, Revvity
Classification: Likely pathogenic. Last evaluated: 2024-07-17. Review status: criteria provided, single submitter. Criteria: ACMG Guidelines, 2015. Collection method: clinical testing. Allele origin: germline.

CeGaT Center for Human Genetics Tuebingen
Classification: Pathogenic. Last evaluated: 2020-02-01. Review status: criteria provided, single submitter. Criteria: CeGaT Center For Human Genetics Tuebingen Variant Classification Criteria Version 2. Collection method: clinical testing. Allele origin: germline. Affected: yes. Observed: 3 variant alleles.

NM_002860.4(ALDH18A1):c.1375C>T (p.Arg459Ter)

Gene: ALDH18A1 (aldehyde dehydrogenase 18 family member A1; minus strand). Cytogenetic location: 10q24.1.
Variant type: single nucleotide variant.
Coding change: c.1375C>T on transcript NM_002860.4 (MANE Select); coding-DNA position 1375, C replaced by T.
Protein change: p.Arg459Ter; replaces arginine 459 with a stop codon.
Molecular consequence: nonsense.
Genome position (GRCh38, 1-based): chr10:95,621,123, G>A on the plus strand (C>T on the coding strand, the complement: ALDH18A1 is on the minus strand). VCF-style: chr10-95621123-G-A. GRCh37 (hg19) VCF-style: chr10-97380880-G-A.
Other names: c.1369C>T, p.Arg457Ter (NM_001017423.2, NM_001323415.2); c.1042C>T, p.Arg348Ter (NM_001323412.2, NM_001323416.2); c.1375C>T, p.Arg459Ter (NM_001323413.2, NM_001323414.2); c.1270C>T, p.Arg424Ter (NM_001323417.2); c.1036C>T, p.Arg346Ter (NM_001323418.2); c.739C>T, p.Arg247Ter (NM_001323419.2); short protein forms R424*, R459*, R348*, R247*, R346*, R457*.
Identifiers: ClinVar variation 916221 (VCV000916221.41), dbSNP rs887933055, ClinGen allele CA211791269.